The following is an entry in ClinVar:

ClinVar aggregate classification (germline): Benign/Likely benign. Review status: criteria provided, multiple submitters, no conflicts (2 of 4 stars). 3 submissions from 3 submitters: Benign (1); Likely benign (2). Last evaluated 2024-10-09.

Conditions:
Hereditary cancer-predisposing syndrome. Also called: Tumor predisposition; Hereditary neoplastic syndrome; Neoplastic Syndromes, Hereditary; Hereditary Cancer Syndrome. Identifiers: Orphanet 140162, MedGen C0027672, MeSH D009386, MONDO:0015356.
Familial cancer of breast. Also called: hereditary breast carcinoma; Hereditary breast cancer; BREAST CANCER, FAMILIAL. Identifiers: Orphanet 227535, MedGen C0346153, MONDO:0016419, OMIM 114480. Disease mechanism: loss of function.

Allele frequency attached by ClinVar (database versions not stated): gnomAD exomes below 0.00001 and 0.00002; gnomAD 0.00001; TOPMed 0.00001; ExAC 0.00002.
gnomAD v4.1: 7 of 1,594,162 alleles (0.00044%); highest among the groups gnomAD compares: Admixed American, 0.0033%; no homozygotes.

Submissions (3):

Myriad Genetics, Inc.
Classification: Benign for Familial cancer of breast. Last evaluated: 2024-10-09. Review status: criteria provided, single submitter. Criteria: Myriad Autosomal Dominant, Autosomal Recessive and X-Linked Classification Criteria (2023). Collection method: clinical testing. Allele origin: unknown.
Comment: This variant is considered benign. This variant occurs in the non-coding 3' untranslated region of the gene, and is not expected to impact protein function.

Color Diagnostics, LLC DBA Color Health
Classification: Likely benign for Hereditary cancer-predisposing syndrome. Last evaluated: 2017-02-21. Review status: criteria provided, single submitter. Criteria: ACMG Guidelines, 2015. Collection method: clinical testing. Allele origin: germline.

GeneDx
Classification: Likely benign. Last evaluated: 2016-11-08. Review status: criteria provided, single submitter. Criteria: GeneDx Variant Classification (06012015). Collection method: clinical testing. Allele origin: germline. Affected: yes.
Comment: This variant is considered likely benign or benign based on one or more of the following criteria: it is a conservative change, it occurs at a poorly conserved position in the protein, it is predicted to be benign by multiple in silico algorithms, and/or has population frequency not consistent with disease.

NM_007194.4(CHEK2):c.*6G>A

Gene: CHEK2 (checkpoint kinase 2; minus strand). Cytogenetic location: 22q12.1.
Variant type: single nucleotide variant.
Coding change: c.*6G>A on transcript NM_007194.4 (MANE Select); 6 bases downstream of the stop codon, G replaced by A.
Molecular consequence: 3 prime UTR variant.
Genome position (GRCh38, 1-based): chr22:28,687,891, C>T on the plus strand (G>A on the coding strand, the complement: CHEK2 is on the minus strand). VCF-style: chr22-28687891-C-T. GRCh37 (hg19) VCF-style: chr22-29083879-C-T.
Other names: c.*6G>A (NM_001005735.3, NM_001257387.3, NM_001349956.3 and 1 more transcripts).
Identifiers: ClinVar variation 379159 (VCV000379159.4), dbSNP rs775315910, ClinGen allele CA10167599.